The following is an entry in ClinVar:

ClinVar aggregate classification (germline): Uncertain significance. Review status: criteria provided, multiple submitters, no conflicts (2 of 4 stars). 2 submissions from 2 submitters: Uncertain significance (2). Last evaluated 2025-12-09.

Conditions:
Birt-Hogg-Dube syndrome. Also called: Birt Hogg Dubé syndrome. Identifiers: Orphanet 122, MedGen C0346010, MONDO:0800444.
Hereditary cancer-predisposing syndrome. Also called: Neoplastic Syndromes, Hereditary; Tumor predisposition; Hereditary neoplastic syndrome; Hereditary Cancer Syndrome. Identifiers: Orphanet 140162, MedGen C0027672, MeSH D009386, MONDO:0015356.

Allele frequency attached by ClinVar (database versions not stated): gnomAD exomes 0.00001.
gnomAD v4.1: 4 of 1,613,496 alleles (0.00025%); highest among the groups gnomAD compares: East Asian, 0.0067%; no homozygotes.

Submissions (2):

Labcorp Genetics (formerly Invitae), Labcorp
Classification: Uncertain significance for Birt-Hogg-Dube syndrome. Last evaluated: 2025-12-09. Review status: criteria provided, single submitter. Criteria: Invitae Variant Classification Sherloc (09022015). Collection method: clinical testing. Allele origin: germline.
Comment: This sequence change replaces isoleucine, which is neutral and non-polar, with phenylalanine, which is neutral and non-polar, at codon 426 of the FLCN protein (p.Ile426Phe). This variant is present in population databases (no rsID available, gnomAD no frequency). This variant has not been reported in the literature in individuals affected with FLCN-related conditions. ClinVar contains an entry for this variant (Variation ID: 1766583). Invitae Evidence Modeling of protein sequence and biophysical properties (such as structural, functional, and spatial information, amino acid conservation, physicochemical variation, residue mobility, and thermodynamic stability) indicates that this missense variant is not expected to disrupt FLCN protein function with a negative predictive value of 80%. In summary, the available evidence is currently insufficient to determine the role of this variant in disease. Therefore, it has been classified as a Variant of Uncertain Significance.

Ambry Genetics
Classification: Uncertain significance for Hereditary cancer-predisposing syndrome. Last evaluated: 2022-07-07. Review status: criteria provided, single submitter. Criteria: Ambry Variant Classification Scheme 2023. Collection method: clinical testing. Allele origin: germline.
Comment: The p.I426F variant (also known as c.1276A>T), located in coding exon 8 of the FLCN gene, results from an A to T substitution at nucleotide position 1276. The isoleucine at codon 426 is replaced by phenylalanine, an amino acid with highly similar properties. This amino acid position is well conserved in available vertebrate species. In addition, the in silico prediction for this alteration is inconclusive. Since supporting evidence is limited at this time, the clinical significance of this alteration remains unclear.

NM_144997.7(FLCN):c.1276A>T (p.Ile426Phe)

Gene: FLCN (folliculin; minus strand). Cytogenetic location: 17p11.2.
Variant type: single nucleotide variant.
Coding change: c.1276A>T on transcript NM_144997.7 (MANE Select); coding-DNA position 1276, A replaced by T.
Protein change: p.Ile426Phe; replaces isoleucine 426 with phenylalanine.
Molecular consequence: missense variant.
Genome position (GRCh38, 1-based): chr17:17,216,404, T>A on the plus strand (A>T on the coding strand, the complement: FLCN is on the minus strand). VCF-style: chr17-17216404-T-A. GRCh37 (hg19) VCF-style: chr17-17119718-T-A.
Other names: c.1330A>T, p.Ile444Phe (NM_001353229.2); c.1276A>T, p.Ile426Phe (NM_001353230.2, NM_001353231.2); short protein forms I444F, I426F.
Identifiers: ClinVar variation 1766583 (VCV001766583.3), dbSNP rs1296086439, ClinGen allele CA398531649.